The following is an entry in ClinVar:

NM_005184.4(CALM3):c.-6C>A

Gene: CALM3 (calmodulin 3; plus strand). Cytogenetic location: 19q13.32.
Variant type: single nucleotide variant.
Coding change: c.-6C>A on transcript NM_005184.4 (MANE Select); 6 bases upstream of the start codon, C replaced by A.
Molecular consequence: 5 prime UTR variant. On other transcripts: intron variant (1).
Genome position (GRCh38, 1-based): chr19:46,601,429, C>A. VCF-style: chr19-46601429-C-A. GRCh37 (hg19) VCF-style: chr19-47104686-C-A.
Other names: c.-112C>A (NM_001329924.2); c.-83C>A (NM_001329925.2); c.-106C>A (NM_001329926.2); c.-106+253C>A (NM_001329921.1).
Identifiers: ClinVar variation 389811 (VCV000389811.4), dbSNP rs1057523541, ClinGen allele CA16608275.
Genomic context (GRCh38, chr19:46,601,429, plus strand): 5'-TGCTGCAGCTGCTGCCGCCGCCGGAGGAACCTTGATCCCCGTGCTCCGGACACCCCGGGC[C>A]TCGCCATGGTGAGTGAGGCTGGGGGGTCGCCGAGGCTGCGGGCTCTGAGGCGGGCTTAAC-3'

ClinVar aggregate classification (germline): Uncertain significance (1 of 4 stars; one submission).

Allele frequency attached by ClinVar (database versions not stated): gnomAD exomes 0.00002.
gnomAD v4.1: 25 of 1,503,482 alleles (0.0017%); highest among the groups gnomAD compares: Non-Finnish European, 0.0021%; no homozygotes.

Submission:

GeneDx
Classification: Uncertain significance. Last evaluated: 2022-04-21. Review status: criteria provided, single submitter. Criteria: GeneDx Variant Classification Process June 2021. Collection method: clinical testing. Allele origin: germline. Affected: yes.
Comment: Has not been previously published as pathogenic or benign to our knowledge; Not observed at significant frequency in large population cohorts (gnomAD); Alters a nucleotide in the Kozak sequence but does not introduce a new ATG